The following is an entry in ClinVar:

NM_000443.4(ABCB4):c.1531G>A (p.Ala511Thr)

Gene: ABCB4 (ATP binding cassette subfamily B member 4; minus strand). Cytogenetic location: 7q21.12.
Variant type: single nucleotide variant.
Coding change: c.1531G>A on transcript NM_000443.4 (MANE Select); coding-DNA position 1531, G replaced by A.
Protein change: p.Ala511Thr; replaces alanine 511 with threonine.
Molecular consequence: missense variant.
Genome position (GRCh38, 1-based): chr7:87,440,228, C>T on the plus strand (G>A on the coding strand, the complement: ABCB4 is on the minus strand). VCF-style: chr7-87440228-C-T. GRCh37 (hg19) VCF-style: chr7-87069544-C-T.
Other names: c.1531G>A, p.Ala511Thr (NM_018849.3, NM_018850.3); short protein forms A511T.
Identifiers: ClinVar variation 4846398 (VCV004846398.1).

ClinVar aggregate classification (germline): Likely pathogenic (1 of 4 stars; one submission).

Conditions:
Familial intrahepatic cholestasis. Identifiers: Orphanet 284385, MedGen CN296401, MONDO:0017290.
Low phospholipid associated cholelithiasis (GBD1). Also called: Gallbladder disease 1; Gallstone cholecystitis. Identifiers: Orphanet 69663, MedGen C2609268, MONDO:0010939, OMIM 600803.

gnomAD v4.1: 2 of 1,613,978 alleles (0.00012%); highest among the groups gnomAD compares: African/African-American, 0.0013%; no homozygotes.

Submission:

Genomenon, Inc
Classification: Likely pathogenic for Familial intrahepatic cholestasis; Low phospholipid associated cholelithiasis. Last evaluated: 2026-04-14. Review status: criteria provided, single submitter. Criteria: Genomenon Sequence Variant Interpretation Standards - Updated. Collection method: curation. Allele origin: germline. Affected: yes.
Comment: ABCB4 p.Ala511Thr (c.1531G>A) is a missense variant that changes the amino acid at residue 511 from Alanine to Threonine. This variant has been observed in at least one proband with an ABCB4-related disorder (PMID:30416319;23533021;21119540). The variant was found to segregate with disease in at least one affected family (PMID:21119540). It is absent or not present at a significant frequency in gnomAD. In silico models predict that this variant is possibly or probably damaging. In conclusion, we classify ABCB4 p.Ala511Thr (c.1531G>A) as a likely pathogenic variant.

Literature cited by the submitters: PubMed 30416319; PubMed 23533021; PubMed 21119540.